The following is an entry in ClinVar:

ClinVar aggregate classification (germline): Uncertain significance (1 of 4 stars; one submission).

Conditions:
Frontotemporal dementia and/or amyotrophic lateral sclerosis 6 (FTDALS6). Also called: VCP-Related Amyotrophic Lateral Sclerosis/Frontotemporal Dementia; VCP-Related Amyotrophic Lateral Sclerosis. Identifiers: Orphanet 275872, Orphanet 803, MedGen C5436279, MONDO:0013501, OMIM 613954.
Inclusion body myopathy with Paget disease of bone and frontotemporal dementia. Also called: Inclusion body myopathy with early-onset Paget disease and frontotemporal dementia. Identifiers: Orphanet 52430, MedGen C1833662, MONDO:0000507.

Submission:

Labcorp Genetics (formerly Invitae), Labcorp
Classification: Uncertain significance for Inclusion body myopathy with Paget disease of bone and frontotemporal dementia; Frontotemporal dementia and/or amyotrophic lateral sclerosis 6. Last evaluated: 2024-08-30. Review status: criteria provided, single submitter. Criteria: Invitae Variant Classification Sherloc (09022015). Collection method: clinical testing. Allele origin: germline.
Comment: This sequence change replaces glutamic acid, which is acidic and polar, with lysine, which is basic and polar, at codon 756 of the VCP protein (p.Glu756Lys). This variant is not present in population databases (gnomAD no frequency). This variant has not been reported in the literature in individuals affected with VCP-related conditions. ClinVar contains an entry for this variant (Variation ID: 653332). Invitae Evidence Modeling of protein sequence and biophysical properties (such as structural, functional, and spatial information, amino acid conservation, physicochemical variation, residue mobility, and thermodynamic stability) indicates that this missense variant is not expected to disrupt VCP protein function with a negative predictive value of 80%. In summary, the available evidence is currently insufficient to determine the role of this variant in disease. Therefore, it has been classified as a Variant of Uncertain Significance.

NM_007126.5(VCP):c.2266G>A (p.Glu756Lys)

Gene: VCP (valosin containing protein; minus strand). Cytogenetic location: 9p13.3.
Variant type: single nucleotide variant.
Coding change: c.2266G>A on transcript NM_007126.5 (MANE Select); coding-DNA position 2266, G replaced by A.
Protein change: p.Glu756Lys; replaces glutamic acid 756 with lysine.
Molecular consequence: missense variant.
Genome position (GRCh38, 1-based): chr9:35,057,425, C>T on the plus strand (G>A on the coding strand, the complement: VCP is on the minus strand). VCF-style: chr9-35057425-C-T. GRCh37 (hg19) VCF-style: chr9-35057422-C-T.
Other names: c.2131G>A, p.Glu711Lys (NM_001354927.2, NM_001354928.2); short protein forms E711K, E756K.
Identifiers: ClinVar variation 653332 (VCV000653332.8), dbSNP rs1587117319, ClinGen allele CA373269461.
Genomic context (GRCh38, chr9:35,057,425, plus strand): 5'-AACCAACTTACCTGAAGCTGCCAAAGCCCCGACTCTGCTGAAGGGTCTGGGCAAACATCT[C>T]ATACTTCCGAATGTCATTGTCACTGACAGAACGGCGCGCAAAGCGCATGGCTTCTTCAAA-3'
Protein context (NP_009057.1, residues 746-766): SVSDNDIRKY[Glu756Lys]MFAQTLQQSR